The following is an entry in ClinVar:

ClinVar aggregate classification (germline): Conflicting classifications of pathogenicity. Review status: criteria provided, conflicting classifications (1 of 4 stars). 3 submissions from 3 submitters: Uncertain significance (1); Likely benign (2). Last evaluated 2025-12-06.

Conditions:
Ehlers-Danlos syndrome, spondylodysplastic type, 3. Also called: Ehlers-Danlos syndrome, spondylocheirodysplastic type. Identifiers: Orphanet 157965, MedGen C2676510, MONDO:0012873, OMIM 612350.

Allele frequency attached by ClinVar (database versions not stated): gnomAD exomes 0.00006 and 0.00007; TOPMed 0.00007; gnomAD 0.00009; ExAC 0.00010; ESP Exome Variant Server 0.00015.
gnomAD v4.1: 103 of 1,609,150 alleles (0.0064%); highest among the groups gnomAD compares: Non-Finnish European, 0.0072%; no homozygotes.

Submissions (6):

Labcorp Genetics (formerly Invitae), Labcorp
Classification: Likely benign for Ehlers-Danlos syndrome, spondylodysplastic type, 3. Last evaluated: 2025-12-06. Review status: criteria provided, single submitter. Criteria: Invitae Variant Classification Sherloc (09022015). Collection method: clinical testing. Allele origin: germline.

Women's Health and Genetics/Laboratory Corporation of America, LabCorp
Classification: Uncertain significance. Last evaluated: 2025-11-28. Review status: criteria provided, single submitter. Criteria: LabCorp Variant Classification Summary - May 2015. Collection method: clinical testing. Allele origin: germline.
Comment: Variant summary: SLC39A13 c.919+14G>A alters a nucleotide located at a position not widely known to affect splicing. Several computational tools predict a significant impact on normal splicing: Two predict the variant creates a 5' donor site. However, these predictions have yet to be confirmed by functional studies. The variant allele was found at a frequency of 6.6e-05 in 243628 control chromosomes. This frequency is not significantly higher than estimated for disease-causing variants in SLC39A13, allowing no conclusion about variant significance. To our knowledge, no occurrence of c.919+14G>A in individuals affected with SLC39A13-related conditions and no experimental evidence demonstrating its impact on protein function have been reported. ClinVar contains an entry for this variant (Variation ID: 1589329). Based on the evidence outlined above, the variant was classified as uncertain significance.

Blueprint Genetics
Classification: Likely benign. Last evaluated: 2024-11-22. Review status: criteria provided, single submitter. Criteria: ACMG Guidelines, 2015. Collection method: clinical testing. Allele origin: germline.

Dr. Peter K. Rogan Lab, Western University
No classification provided (evidence only). Condition: Lung cancer. Review status: no classification provided. Collection method: in vitro. Allele origin: not applicable. Functional consequence: retained intron. Not counted in ClinVar's aggregate classification.

Dr. Peter K. Rogan Lab, Western University
No classification provided (evidence only). Condition: Sarcoma. Review status: no classification provided. Collection method: in vitro. Allele origin: not applicable. Functional consequence: retained intron. Not counted in ClinVar's aggregate classification.

Dr. Peter K. Rogan Lab, Western University
No classification provided (evidence only). Condition: Gastric cancer. Review status: no classification provided. Collection method: in vitro. Allele origin: not applicable. Functional consequence: retained intron. Not counted in ClinVar's aggregate classification.

NM_001128225.3(SLC39A13):c.919+14G>A

Gene: SLC39A13 (solute carrier family 39 member 13; plus strand). Cytogenetic location: 11p11.2.
Variant type: single nucleotide variant.
Coding change: c.919+14G>A on transcript NM_001128225.3 (MANE Select); 14 bases into the intron after coding-DNA position 919, G replaced by A.
Molecular consequence: intron variant.
Genome position (GRCh38, 1-based): chr11:47,414,923, G>A. VCF-style: chr11-47414923-G-A. GRCh37 (hg19) VCF-style: chr11-47436474-G-A.
Other names: c.919+14G>A (NM_152264.5); c.915+18G>A (NM_001330245.2).
Identifiers: ClinVar variation 1589329 (VCV001589329.11), dbSNP rs377290130, ClinGen allele CA5975988.